The following is an entry in ClinVar:

ClinVar aggregate classification (germline): Uncertain significance (1 of 4 stars; one submission).

Conditions:
Pyogenic bacterial infections due to MyD88 deficiency (IMD68). Also called: PYOGENIC BACTERIAL INFECTIONS, RECURRENT, DUE TO MYD88 DEFICIENCY. Identifiers: Orphanet 183713, MedGen C2677092, MONDO:0012839, OMIM 612260.

Allele frequency attached by ClinVar (database versions not stated): gnomAD exomes 0.00004; gnomAD 0.00005; TOPMed 0.00008.

Submission:

Labcorp Genetics (formerly Invitae), Labcorp
Classification: Uncertain significance for Pyogenic bacterial infections due to MyD88 deficiency. Last evaluated: 2024-09-06. Review status: criteria provided, single submitter. Criteria: Invitae Variant Classification Sherloc (09022015). Collection method: clinical testing. Allele origin: germline.
Comment: This sequence change replaces arginine, which is basic and polar, with histidine, which is basic and polar, at codon 173 of the MYD88 protein (p.Arg173His). This variant is present in population databases (rs772707495, gnomAD 0.02%). This variant has not been reported in the literature in individuals affected with MYD88-related conditions. ClinVar contains an entry for this variant (Variation ID: 838237). An algorithm developed to predict the effect of missense changes on protein structure and function (PolyPhen-2) suggests that this variant is likely to be tolerated. In summary, the available evidence is currently insufficient to determine the role of this variant in disease. Therefore, it has been classified as a Variant of Uncertain Significance.

NM_002468.5(MYD88):c.479G>A (p.Arg160His)

Gene: MYD88 (MYD88 innate immune signal transduction adaptor; plus strand). Cytogenetic location: 3p22.2.
Variant type: single nucleotide variant.
Coding change: c.479G>A on transcript NM_002468.5 (MANE Select); coding-DNA position 479, G replaced by A.
Protein change: p.Arg160His; replaces arginine 160 with histidine.
Molecular consequence: missense variant. On other transcripts: intron variant (2).
Genome position (GRCh38, 1-based): chr3:38,140,403, G>A. VCF-style: chr3-38140403-G-A. GRCh37 (hg19) VCF-style: chr3-38181894-G-A.
Other names: c.479G>A, p.Arg160His (NM_001172567.2, NM_001365876.1, NM_001374787.1); c.344G>A, p.Arg115His (NM_001172568.2, NM_001365877.1); c.464-354G>A (NM_001172569.3); c.329-354G>A (NM_001172566.2); short protein forms R115H, R160H.
Identifiers: ClinVar variation 838237 (VCV000838237.6), dbSNP rs772707495, ClinGen allele CA2316141.
Genomic context (GRCh38, chr3:38,140,403, plus strand): 5'-CCTTCCCATGGAGCTCTGACCACCACCCTTGTGCTCTGCACCCAGGGCATATGCCTGAGC[G>A]TTTCGATGCCTTCATCTGCTATTGCCCCAGCGACATCCAGTTTGTGCAGGAGATGATCCG-3'
Protein context (NP_002459.3, residues 150-170): LDDPLGHMPE[Arg160His]FDAFICYCPS